The following is an entry in ClinVar:

NM_001718.6(BMP6):c.665-3T>C

Gene: BMP6 (bone morphogenetic protein 6; plus strand). Cytogenetic location: 6p24.3.
Variant type: single nucleotide variant.
Coding change: c.665-3T>C on transcript NM_001718.6 (MANE Select); 3 bases into the intron before coding-DNA position 665, T replaced by C.
Molecular consequence: intron variant.
Genome position (GRCh38, 1-based): chr6:7,845,137, T>C. VCF-style: chr6-7845137-T-C. GRCh37 (hg19) VCF-style: chr6-7845370-T-C.
Identifiers: ClinVar variation 3058627 (VCV003058627.2), dbSNP rs1357401665, ClinGen allele CA565359934.

ClinVar aggregate classification (germline): Likely benign (0 of 4 stars; one submission).

Conditions:
BMP6-related disorder. Also called: BMP6-related condition.

Allele frequency attached by ClinVar (database versions not stated): gnomAD exomes 0.00002.
gnomAD v4.1: 23 of 1,611,480 alleles (0.0014%); highest among the groups gnomAD compares: Non-Finnish European, 0.0015%; no homozygotes.

Submission:

PreventionGenetics, part of Exact Sciences
Classification: Likely benign for BMP6-related condition. Last evaluated: 2019-03-05. Review status: no assertion criteria provided. Collection method: clinical testing. Allele origin: germline.
Comment: This variant is classified as likely benign based on ACMG/AMP sequence variant interpretation guidelines (Richards et al. 2015 PMID: 25741868, with internal and published modifications).